The following is an entry in ClinVar:

ClinVar aggregate classification (germline): Uncertain significance (1 of 4 stars; one submission).

Allele frequency attached by ClinVar (database versions not stated): gnomAD exomes below 0.00001; ExAC 0.00001; gnomAD 0.00001; TOPMed 0.00001.
gnomAD v4.1: 5 of 1,613,964 alleles (0.00031%); highest among the groups gnomAD compares: Admixed American, 0.0033%; no homozygotes.

Submission:

Labcorp Genetics (formerly Invitae), Labcorp
Classification: Uncertain significance. Last evaluated: 2023-07-25. Review status: criteria provided, single submitter. Criteria: Invitae Variant Classification Sherloc (09022015). Collection method: clinical testing. Allele origin: germline.
Comment: In summary, the available evidence is currently insufficient to determine the role of this variant in disease. Therefore, it has been classified as a Variant of Uncertain Significance. Advanced modeling of protein sequence and biophysical properties (such as structural, functional, and spatial information, amino acid conservation, physicochemical variation, residue mobility, and thermodynamic stability) performed at Invitae indicates that this missense variant is not expected to disrupt FBLN5 protein function. This variant has not been reported in the literature in individuals affected with FBLN5-related conditions. This variant is present in population databases (rs768267828, gnomAD 0.006%). This sequence change replaces glycine, which is neutral and non-polar, with arginine, which is basic and polar, at codon 150 of the FBLN5 protein (p.Gly150Arg).

NM_006329.4(FBLN5):c.448G>A (p.Gly150Arg)

Gene: FBLN5 (fibulin 5; minus strand). Cytogenetic location: 14q32.12.
Variant type: single nucleotide variant.
Coding change: c.448G>A on transcript NM_006329.4 (MANE Select); coding-DNA position 448, G replaced by A.
Protein change: p.Gly150Arg; replaces glycine 150 with arginine.
Molecular consequence: missense variant.
Genome position (GRCh38, 1-based): chr14:91,895,004, C>T on the plus strand (G>A on the coding strand, the complement: FBLN5 is on the minus strand). VCF-style: chr14-91895004-C-T. GRCh37 (hg19) VCF-style: chr14-92361348-C-T.
Other names: c.280G>A, p.Gly94Arg (NM_001384162.1, NM_001384161.1); c.571G>A, p.Gly191Arg (NM_001384158.1); c.499G>A, p.Gly167Arg (NM_001384159.1); c.448G>A, p.Gly150Arg (NM_001384160.1); short protein forms G94R, G150R, G191R, G167R.
Identifiers: ClinVar variation 2999488 (VCV002999488.3), dbSNP rs768267828, ClinGen allele CA7312849.